The following is an entry in ClinVar:

ClinVar aggregate classification (germline): Benign (1 of 4 stars; one submission).

Allele frequency attached by ClinVar (database versions not stated): 1000 Genomes Project 30x 0.00640; 1000 Genomes Project 0.00679; TOPMed 0.00713; gnomAD 0.01375.
gnomAD v4.1: 2,068 of 152,164 alleles (1.4%); highest among the groups gnomAD compares: Non-Finnish European, 1.3%; 45 homozygotes.

Submission:

CeGaT Center for Human Genetics Tuebingen
Classification: Benign. Last evaluated: 2026-09-01. Review status: criteria provided, single submitter. Criteria: CeGaT Center For Human Genetics Tuebingen Variant Classification Criteria Version 2. Collection method: clinical testing. Allele origin: germline. Affected: yes. Observed: 16 variant alleles.
Comment: ADK: BS1, BS2

NM_006721.4(ADK):c.964+10211G>A

Gene: ADK (adenosine kinase; plus strand). Cytogenetic location: 10q22.2.
Variant type: single nucleotide variant.
Coding change: c.964+10211G>A on transcript NM_006721.4 (MANE Select); 10211 bases into the intron after coding-DNA position 964, G replaced by A.
Molecular consequence: intron variant.
Genome position (GRCh38, 1-based): chr10:74,680,480, G>A. VCF-style: chr10-74680480-G-A. GRCh37 (hg19) VCF-style: chr10-76440238-G-A.
Other names: c.849+10211G>A (NM_001369123.1); c.793+10211G>A (NM_001202450.2); c.913+10211G>A (NM_001123.4); c.742+10211G>A (NM_001369124.1); c.859+10211G>A (NM_001202449.2).
Identifiers: ClinVar variation 2640598 (VCV002640598.24), dbSNP rs75220549, ClinGen allele CA209891151.